The following is an entry in ClinVar:

ClinVar aggregate classification (germline): Uncertain significance (1 of 4 stars; one submission).

Conditions:
Hereditary breast ovarian cancer syndrome. Also called: BRCA1- and BRCA2-Associated Hereditary Breast and Ovarian Cancer; Hereditary breast and ovarian cancer; Hereditary breast and ovarian cancer syndrome (HBOC); Hereditary breast and ovarian cancer syndrome; Hereditary breast and/or ovarian cancer syndrome; Breast and ovarian cancer. Identifiers: Orphanet 145, MedGen C0677776, MeSH D061325, MONDO:0003582. Disease mechanism: loss of function.

Submission:

Labcorp Genetics (formerly Invitae), Labcorp
Classification: Uncertain significance for Hereditary breast ovarian cancer syndrome. Last evaluated: 2023-12-02. Review status: criteria provided, single submitter. Criteria: Invitae Variant Classification Sherloc (09022015). Collection method: clinical testing. Allele origin: germline.
Comment: This variant, c.3160_3180dup, results in the insertion of 7 amino acid(s) of the BRCA1 protein (p.Val1054_Glu1060dup), but otherwise preserves the integrity of the reading frame. This variant is not present in population databases (gnomAD no frequency). This variant has not been reported in the literature in individuals affected with BRCA1-related conditions. In summary, the available evidence is currently insufficient to determine the role of this variant in disease. Therefore, it has been classified as a Variant of Uncertain Significance.

NM_007294.4(BRCA1):c.3160_3180dup (p.Glu1060_Ile1061insValGlySerSerIleAsnGlu)

Gene: BRCA1 (BRCA1 DNA repair associated; minus strand). Cytogenetic location: 17q21.31.
Variant type: Duplication.
Coding change: c.3160_3180dup on transcript NM_007294.4 (MANE Select); coding-DNA positions 3160 to 3180, 21 bases duplicated (GTGGGCTCCAGTATTAATGAA).
Protein change: p.Glu1060_Ile1061insValGlySerSerIleAsnGlu.
Molecular consequence: inframe insertion. On other transcripts: intron variant (137).
Genome position (GRCh38, 1-based): chr17:43,092,351-43,092,371, TTCATTAATACTGGAGCCCAC duplicated on the plus strand (GTGGGCTCCAGTATTAATGAA on the coding strand, the reverse complement: BRCA1 is on the minus strand); duplicating any 21 consecutive bases within chr17:43,092,351-43,092,378 gives the same sequence; the c. name uses the placement nearest the transcript's 3' end. VCF-style (leftmost placement, unchanged base first): chr17-43092350-T-TTTCATTAATACTGGAGCCCAC. GRCh37 (hg19) VCF-style: chr17-41244367-T-TTTCATTAATACTGGAGCCCAC.
Other names: c.3019_3039dup, p.Glu1013_Ile1014insValGlySerSerIleAsnGlu (NM_007297.4, NM_001407692.1, NM_001407694.1 and 29 more transcripts); c.3160_3180dup, p.Glu1060_Ile1061insValGlySerSerIleAsnGlu (NM_007300.4, NM_001407581.1, NM_001407582.1 and 30 more transcripts); c.647-1339_647-1319dup (NM_001408458.1, NM_001408469.1, NM_001408453.1 and 11 more transcripts); c.284-1339_284-1319dup (NM_001408512.1); c.407-1339_407-1319dup (NM_001408510.1); c.644-1339_644-1319dup (NM_001408470.1, NM_001408464.1, NM_001408468.1 and 3 more transcripts); c.785-1339_785-1319dup (NM_001408397.1, NM_001408401.1, NM_001408396.1 and 13 more transcripts); c.665-1339_665-1319dup (NM_001408436.1, NM_001408444.1, NM_001408438.1 and 12 more transcripts); and 41 more.
Identifiers: ClinVar variation 2700481 (VCV002700481.3), dbSNP rs2552163757, ClinGen allele CA2697559880.